The following is an entry in ClinVar:

NM_052813.5(CARD9):c.463C>T (p.Arg155Cys)

Gene: CARD9 (caspase recruitment domain family member 9; minus strand). Cytogenetic location: 9q34.3.
Variant type: single nucleotide variant.
Coding change: c.463C>T on transcript NM_052813.5 (MANE Select); coding-DNA position 463, C replaced by T.
Protein change: p.Arg155Cys; replaces arginine 155 with cysteine.
Molecular consequence: missense variant.
Genome position (GRCh38, 1-based): chr9:136,371,005, G>A on the plus strand (C>T on the coding strand, the complement: CARD9 is on the minus strand). VCF-style: chr9-136371005-G-A. GRCh37 (hg19) VCF-style: chr9-139265457-G-A.
Other names: c.463C>T, p.Arg155Cys (NM_052814.4); short protein forms R155C.
Identifiers: ClinVar variation 467798 (VCV000467798.7), dbSNP rs199947855, ClinGen allele CA5333129.

ClinVar aggregate classification (germline): Uncertain significance (1 of 4 stars; one submission).

Conditions:
Predisposition to invasive fungal disease due to CARD9 deficiency (IMD103). Also called: IMMUNODEFICIENCY 103, SUSCEPTIBILITY TO FUNGAL INFECTIONS; CARD9 IMMUNODEFICIENCY; Candidiasis, familial, 2, autosomal recessive. Identifiers: Orphanet 457088, MedGen C1859353, MONDO:0008905, OMIM 212050.

Allele frequency attached by ClinVar (database versions not stated): gnomAD exomes 0.00003 and 0.00004; ExAC 0.00004; gnomAD 0.00004; TOPMed 0.00006.

Submission:

Labcorp Genetics (formerly Invitae), Labcorp
Classification: Uncertain significance for Predisposition to invasive fungal disease due to CARD9 deficiency. Last evaluated: 2021-09-29. Review status: criteria provided, single submitter. Criteria: Invitae Variant Classification Sherloc (09022015). Collection method: clinical testing. Allele origin: germline.
Comment: This variant has not been reported in the literature in individuals affected with CARD9-related conditions. This variant is present in population databases (rs199947855, ExAC 0.005%). This sequence change replaces arginine with cysteine at codon 155 of the CARD9 protein (p.Arg155Cys). The arginine residue is highly conserved and there is a large physicochemical difference between arginine and cysteine. ClinVar contains an entry for this variant (Variation ID: 467798). In summary, the available evidence is currently insufficient to determine the role of this variant in disease. Therefore, it has been classified as a Variant of Uncertain Significance. Algorithms developed to predict the effect of missense changes on protein structure and function (SIFT, PolyPhen-2, Align-GVGD) all suggest that this variant is likely to be disruptive.